The following is an entry in ClinVar:

NM_004104.5(FASN):c.3854C>T (p.Ala1285Val)

Gene: FASN (fatty acid synthase; minus strand). Cytogenetic location: 17q25.3.
Variant type: single nucleotide variant.
Coding change: c.3854C>T on transcript NM_004104.5 (MANE Select); coding-DNA position 3854, C replaced by T.
Protein change: p.Ala1285Val; replaces alanine 1285 with valine.
Molecular consequence: missense variant.
Genome position (GRCh38, 1-based): chr17:82,085,750, G>A on the plus strand (C>T on the coding strand, the complement: FASN is on the minus strand). VCF-style: chr17-82085750-G-A. GRCh37 (hg19) VCF-style: chr17-80043626-G-A.
Other names: c.3854C>T (NM_004104.4); short protein forms A1285V.
Identifiers: ClinVar variation 1037227 (VCV001037227.8), dbSNP rs765457818, ClinGen allele CA8852260.
Genomic context (GRCh38, chr17:82,085,750, plus strand): 5'-CTGGGGGCAGGGTCTGCGGGATCCCACTGGCCCTGGGCAACGTCGTGCTGCTGCAGCTCG[G>A]CCTGGGCAGCCTCCAGGGCCTGGGGGTGGCGGTCGGTGGCCGTGTAGCTCAGCTGCAGCA-3'
Protein context (NP_004095.4, residues 1275-1295): RHPQALEAAQ[Ala1285Val]ELQQHDVAQG

ClinVar aggregate classification (germline): Uncertain significance. Review status: criteria provided, multiple submitters, no conflicts (2 of 4 stars). 2 submissions from 2 submitters: Uncertain significance (2). Last evaluated 2025-12-24.

Conditions:
Epileptic encephalopathy. Identifiers: MedGen C0543888, HP:0200134.

Allele frequency attached by ClinVar (database versions not stated): gnomAD exomes 0.00003 and 0.00007; gnomAD 0.00004; TOPMed 0.00005; ExAC 0.00020.
gnomAD v4.1: 64 of 1,564,128 alleles (0.0041%); highest among the groups gnomAD compares: Non-Finnish European, 0.00035%; no homozygotes.

Submissions (2):

Labcorp Genetics (formerly Invitae), Labcorp
Classification: Uncertain significance for Epileptic encephalopathy. Last evaluated: 2025-12-24. Review status: criteria provided, single submitter. Criteria: Invitae Variant Classification Sherloc (09022015). Collection method: clinical testing. Allele origin: germline.
Comment: This sequence change replaces alanine, which is neutral and non-polar, with valine, which is neutral and non-polar, at codon 1285 of the FASN protein (p.Ala1285Val). This variant is present in population databases (rs765457818, gnomAD 0.2%), and has an allele count higher than expected for a pathogenic variant. This variant has not been reported in the literature in individuals affected with FASN-related conditions. ClinVar contains an entry for this variant (Variation ID: 1037227). An algorithm developed to predict the effect of missense changes on protein structure and function (PolyPhen-2) suggests that this variant is likely to be tolerated. In summary, the available evidence is currently insufficient to determine the role of this variant in disease. Therefore, it has been classified as a Variant of Uncertain Significance.

Ambry Genetics
Classification: Uncertain significance. Last evaluated: 2024-12-15. Review status: criteria provided, single submitter. Criteria: Ambry Variant Classification Scheme 2023. Collection method: clinical testing. Allele origin: germline.